The following is an entry in ClinVar:

NM_003072.5(SMARCA4):c.4381A>C (p.Lys1461Gln)

Gene: SMARCA4 (SWI/SNF related BAF chromatin remodeling complex subunit ATPase 4; plus strand). Cytogenetic location: 19p13.2.
Variant type: single nucleotide variant.
Coding change: c.4381A>C on transcript NM_003072.5 (MANE Select); coding-DNA position 4381, A replaced by C.
Protein change: p.Lys1461Gln; replaces lysine 1461 with glutamine.
Molecular consequence: missense variant. On other transcripts: non-coding transcript variant (1).
Genome position (GRCh38, 1-based): chr19:11,041,517, A>C. VCF-style: chr19-11041517-A-C. GRCh37 (hg19) VCF-style: chr19-11152193-A-C.
Other names: c.4381A>C, p.Lys1461Gln (NM_001128844.3); c.4291A>C, p.Lys1431Gln (NM_001128845.2, NM_001128846.2); c.4282A>C, p.Lys1428Gln (NM_001128847.4, NM_001128848.2, NM_001374457.1); c.4477A>C, p.Lys1493Gln (NM_001128849.3, NM_001387283.1); c.4378A>C, p.Lys1460Gln (NM_001411150.1); short protein forms K1460Q, K1493Q, K1428Q, K1431Q, K1461Q.
Identifiers: ClinVar variation 1740859 (VCV001740859.7), dbSNP rs2515495675, ClinGen allele CA404074065.
Genomic context (GRCh38, chr19:11,041,517, plus strand): 5'-AAGAAGCGCGGGCGGCCGCCTGCCGAGAAACTCTCCCCTAACCCACCCAACCTCACCAAG[A>C]AGATGAAGAAGATTGTGGATGCCGTGATCAAGTACAAGGACAGGTAAGCGAGGAGGCGGG-3'
Protein context (NP_003063.2, residues 1451-1471): LSPNPPNLTK[Lys1461Gln]MKKIVDAVIK

ClinVar aggregate classification (germline): Uncertain significance. Review status: criteria provided, multiple submitters, no conflicts (2 of 4 stars). 2 submissions from 2 submitters: Uncertain significance (2). Last evaluated 2022-01-19.

Conditions:
Hereditary cancer-predisposing syndrome. Also called: Hereditary Cancer Syndrome; Hereditary neoplastic syndrome; Neoplastic Syndromes, Hereditary; Tumor predisposition. Identifiers: Orphanet 140162, MedGen C0027672, MeSH D009386, MONDO:0015356.
Rhabdoid tumor predisposition syndrome 2 (RTPS2). Identifiers: Orphanet 231108, Orphanet 69077, MedGen C2750074, MONDO:0013224, OMIM 613325.

Submissions (2):

Labcorp Genetics (formerly Invitae), Labcorp
Classification: Uncertain significance for Rhabdoid tumor predisposition syndrome 2. Last evaluated: 2022-01-19. Review status: criteria provided, single submitter. Criteria: Invitae Variant Classification Sherloc (09022015). Collection method: clinical testing. Allele origin: germline.
Comment: In summary, the available evidence is currently insufficient to determine the role of this variant in disease. Therefore, it has been classified as a Variant of Uncertain Significance. Algorithms developed to predict the effect of missense changes on protein structure and function are either unavailable or do not agree on the potential impact of this missense change (SIFT: "Deleterious"; PolyPhen-2: "Benign"; Align-GVGD: "Class C45"). This variant has not been reported in the literature in individuals affected with SMARCA4-related conditions. This variant is not present in population databases (gnomAD no frequency). This sequence change replaces lysine, which is basic and polar, with glutamine, which is neutral and polar, at codon 1493 of the SMARCA4 protein (p.Lys1493Gln).

Ambry Genetics
Classification: Uncertain significance for Hereditary cancer-predisposing syndrome. Last evaluated: 2021-12-20. Review status: criteria provided, single submitter. Criteria: Ambry Variant Classification Scheme 2023. Collection method: clinical testing. Allele origin: germline.
Comment: The p.K1493Q variant (also known as c.4477A>C), located in coding exon 30 of the SMARCA4 gene, results from an A to C substitution at nucleotide position 4477. The lysine at codon 1493 is replaced by glutamine, an amino acid with similar properties. This amino acid position is well conserved in available vertebrate species. In addition, this alteration is predicted to be tolerated by in silico analysis. Missense and in-frame variants in SMARCA4 are known to cause neurodevelopmental disorders; however, such associations with rhabdoid tumor predisposition syndrome including small cell carcinoma of the ovary-hypercalcemic type (SCCOHT) are exceedingly rare (Kosho T et al. Am J Med Genet C Semin Med Genet. 2014 Sep;166C(3):262-75; Jelinic P et al. Nat Genet. 2014 May;46(5):424-6). Based on the supporting evidence, the association of this alteration with Coffin-Siris syndrome is unknown; however, the association of this alteration with rhabdoid tumor predisposition syndrome is unlikely.